The following is an entry in ClinVar:

NM_000455.5(STK11):c.504T>A (p.His168Gln)

Gene: STK11 (serine/threonine kinase 11; plus strand). Cytogenetic location: 19p13.3.
Variant type: single nucleotide variant.
Coding change: c.504T>A on transcript NM_000455.5 (MANE Select); coding-DNA position 504, T replaced by A.
Protein change: p.His168Gln; replaces histidine 168 with glutamine.
Molecular consequence: missense variant.
Genome position (GRCh38, 1-based): chr19:1,220,412, T>A. VCF-style: chr19-1220412-T-A. GRCh37 (hg19) VCF-style: chr19-1220411-T-A.
Other names: short protein forms H168Q.
Identifiers: ClinVar variation 1040513 (VCV001040513.9), dbSNP rs754986576, ClinGen allele CA402948899.

ClinVar aggregate classification (germline): Uncertain significance (1 of 4 stars; one submission).

Conditions:
Peutz-Jeghers syndrome (PJS). Also called: POLYPOSIS, HAMARTOMATOUS INTESTINAL; POLYPS-AND-SPOTS SYNDROME; Peutz-Jeghers polyposis; Periorificial lentiginosis syndrome. Identifiers: Orphanet 2869, MedGen C0031269, MeSH D010580, MONDO:0008280, OMIM 175200.

Submission:

Labcorp Genetics (formerly Invitae), Labcorp
Classification: Uncertain significance for Peutz-Jeghers syndrome. Last evaluated: 2020-08-14. Review status: criteria provided, single submitter. Criteria: Invitae Variant Classification Sherloc (09022015). Collection method: clinical testing. Allele origin: germline.
Comment: Algorithms developed to predict the effect of missense changes on protein structure and function are either unavailable or do not agree on the potential impact of this missense change (SIFT: "Deleterious"; PolyPhen-2: "Probably Damaging"; Align-GVGD: "Class C15"). This variant has not been reported in the literature in individuals with STK11-related conditions. This variant is not present in population databases (ExAC no frequency). This sequence change replaces histidine with glutamine at codon 168 of the STK11 protein (p.His168Gln). The histidine residue is highly conserved and there is a small physicochemical difference between histidine and glutamine. In summary, the available evidence is currently insufficient to determine the role of this variant in disease. Therefore, it has been classified as a Variant of Uncertain Significance.